The following is an entry in ClinVar:

ClinVar aggregate classification (germline): Uncertain significance (1 of 4 stars; one submission).

Conditions:
Immunodeficiency 132A. Also called: Herpes simplex encephalitis, susceptibility to, 3. Identifiers: Orphanet 1930, MedGen C3553868, MONDO:0013920, OMIM 614849.

Allele frequency attached by ClinVar (database versions not stated): ExAC 0.00006; ESP Exome Variant Server 0.00015; TOPMed 0.00006; 1000 Genomes Project 0.00020; 1000 Genomes Project 30x 0.00031.
gnomAD v4.1: 73 of 1,612,740 alleles (0.0045%); highest among the groups gnomAD compares: Admixed American, 0.0067%; no homozygotes.

Submission:

Labcorp Genetics (formerly Invitae), Labcorp
Classification: Uncertain significance for Immunodeficiency 132A. Last evaluated: 2024-03-09. Review status: criteria provided, single submitter. Criteria: Invitae Variant Classification Sherloc (09022015). Collection method: clinical testing. Allele origin: germline.
Comment: This sequence change falls in intron 5 of the TRAF3 gene. It does not directly change the encoded amino acid sequence of the TRAF3 protein. It affects a nucleotide within the consensus splice site. This variant is present in population databases (rs376228222, gnomAD 0.006%). This variant has not been reported in the literature in individuals affected with TRAF3-related conditions. ClinVar contains an entry for this variant (Variation ID: 1439704). Variants that disrupt the consensus splice site are a relatively common cause of aberrant splicing (PMID: 17576681, 9536098). Algorithms developed to predict the effect of sequence changes on RNA splicing suggest that this variant is not likely to affect RNA splicing. In summary, the available evidence is currently insufficient to determine the role of this variant in disease. Therefore, it has been classified as a Variant of Uncertain Significance.

Literature cited by the submitters: PubMed 17576681; PubMed 9536098.

NM_145725.3(TRAF3):c.570+4C>T

Gene: TRAF3 (TNF receptor associated factor 3; plus strand). Cytogenetic location: 14q32.32.
Variant type: single nucleotide variant.
Coding change: c.570+4C>T on transcript NM_145725.3 (MANE Select); 4 bases into the intron after coding-DNA position 570, C replaced by T.
Molecular consequence: intron variant.
Genome position (GRCh38, 1-based): chr14:102,876,529, C>T. VCF-style: chr14-102876529-C-T. GRCh37 (hg19) VCF-style: chr14-103342866-C-T.
Other names: c.570+4C>T (NM_001385142.1, NM_145726.3, NM_001385143.1 and 2 more transcripts).
Identifiers: ClinVar variation 1439704 (VCV001439704.6), dbSNP rs376228222, ClinGen allele CA7359292.